The following is an entry in ClinVar:

NM_022167.4(XYLT2):c.1216C>T (p.Arg406Cys)

Gene: XYLT2 (xylosyltransferase 2; plus strand). Cytogenetic location: 17q21.33.
Variant type: single nucleotide variant.
Coding change: c.1216C>T on transcript NM_022167.4 (MANE Select); coding-DNA position 1216, C replaced by T.
Protein change: p.Arg406Cys; replaces arginine 406 with cysteine.
Molecular consequence: missense variant.
Genome position (GRCh38, 1-based): chr17:50,355,908, C>T. VCF-style: chr17-50355908-C-T. GRCh37 (hg19) VCF-style: chr17-48433269-C-T.
Other names: short protein forms R406C.
Identifiers: ClinVar variation 1917231 (VCV001917231.5), dbSNP rs2543951751, ClinGen allele CA400205111.

ClinVar aggregate classification (germline): Uncertain significance (1 of 4 stars; one submission).

Allele frequency attached by ClinVar (database versions not stated): gnomAD exomes below 0.00001.
gnomAD v4.1: 5 of 1,614,236 alleles (0.00031%); highest among the groups gnomAD compares: Non-Finnish European, 0.00042%; no homozygotes.

Submission:

Labcorp Genetics (formerly Invitae), Labcorp
Classification: Uncertain significance. Last evaluated: 2023-05-08. Review status: criteria provided, single submitter. Criteria: Invitae Variant Classification Sherloc (09022015). Collection method: clinical testing. Allele origin: germline.
Comment: In summary, the available evidence is currently insufficient to determine the role of this variant in disease. Therefore, it has been classified as a Variant of Uncertain Significance. Advanced modeling of protein sequence and biophysical properties (such as structural, functional, and spatial information, amino acid conservation, physicochemical variation, residue mobility, and thermodynamic stability) performed at Invitae indicates that this missense variant is expected to disrupt XYLT2 protein function. ClinVar contains an entry for this variant (Variation ID: 1917231). This variant has not been reported in the literature in individuals affected with XYLT2-related conditions. This variant is not present in population databases (gnomAD no frequency). This sequence change replaces arginine, which is basic and polar, with cysteine, which is neutral and slightly polar, at codon 406 of the XYLT2 protein (p.Arg406Cys).